The following is an entry in ClinVar:

ClinVar aggregate classification (germline): Uncertain significance (1 of 4 stars; one submission).

Conditions:
Nemaline myopathy 2 (NEM2). Also called: Nemaline myopathy 2, autosomal recessive. Identifiers: MedGen C1850569, MONDO:0009725, OMIM 256030.

Submission:

Labcorp Genetics (formerly Invitae), Labcorp
Classification: Uncertain significance for Nemaline myopathy 2. Last evaluated: 2021-07-26. Review status: criteria provided, single submitter. Criteria: Invitae Variant Classification Sherloc (09022015). Collection method: clinical testing. Allele origin: germline.
Comment: In summary, the available evidence is currently insufficient to determine the role of this variant in disease. Therefore, it has been classified as a Variant of Uncertain Significance. Algorithms developed to predict the effect of missense changes on protein structure and function are either unavailable or do not agree on the potential impact of this missense change (SIFT: "Deleterious"; PolyPhen-2: "Not Available"; Align-GVGD: "Class C0"). This variant has not been reported in the literature in individuals affected with NEB-related conditions. This variant is not present in population databases (ExAC no frequency). This sequence change replaces histidine with arginine at codon 1475 of the NEB protein (p.His1475Arg). The histidine residue is moderately conserved and there is a small physicochemical difference between histidine and arginine.

NM_001164508.2(NEB):c.4424A>G (p.His1475Arg)

Gene: NEB (nebulin; minus strand). Cytogenetic location: 2q23.3.
Variant type: single nucleotide variant.
Coding change: c.4424A>G on transcript NM_001164508.2 (MANE Select); coding-DNA position 4424, A replaced by G.
Protein change: p.His1475Arg; replaces histidine 1475 with arginine.
Molecular consequence: missense variant.
Genome position (GRCh38, 1-based): chr2:151,671,105, T>C on the plus strand (A>G on the coding strand, the complement: NEB is on the minus strand). VCF-style: chr2-151671105-T-C. GRCh37 (hg19) VCF-style: chr2-152527619-T-C.
Other names: c.4424A>G, p.His1475Arg (NM_001164507.2, NM_001271208.2, NM_004543.5); short protein forms H1475R.
Identifiers: ClinVar variation 1370017 (VCV001370017.8), dbSNP rs2154190465, ClinGen allele CA348815658.